The following is an entry in ClinVar:

NM_000448.3(RAG1):c.1124A>T (p.His375Leu)

Gene: RAG1 (recombination activating 1; plus strand). Cytogenetic location: 11p12.
Variant type: single nucleotide variant.
Coding change: c.1124A>T on transcript NM_000448.3 (MANE Select); coding-DNA position 1124, A replaced by T.
Protein change: p.His375Leu; replaces histidine 375 with leucine.
Molecular consequence: missense variant.
Genome position (GRCh38, 1-based): chr11:36,574,428, A>T. VCF-style: chr11-36574428-A-T. GRCh37 (hg19) VCF-style: chr11-36595978-A-T.
Other names: c.1124A>T, p.His375Leu (NM_001377277.1, NM_001377278.1, NM_001377279.1 and 3 more transcripts); short protein forms H375L.
Identifiers: ClinVar variation 4791795 (VCV004791795.1).

ClinVar aggregate classification (germline): Uncertain significance (1 of 4 stars; one submission).

Conditions:
Severe combined immunodeficiency, autosomal recessive, T cell-negative, B cell-negative, NK cell-positive. Also called: SCID, T CELL-NEGATIVE, B CELL-NEGATIVE, NK CELL-POSITIVE; SCID, AR, T-cell negative, B-cell negative, NK cell-positive; Severe combined immunodeficiency due to complete RAG1/2 deficiency. Identifiers: Orphanet 331206, MedGen C1832322, MONDO:0011086, OMIM 601457.
Combined immunodeficiency with skin granulomas. Identifiers: Orphanet 157949, MedGen C2673536, MONDO:0009306, OMIM 233650.

Submission:

Labcorp Genetics (formerly Invitae), Labcorp
Classification: Uncertain significance for Combined immunodeficiency with skin granulomas; Severe combined immunodeficiency, autosomal recessive, T cell-negative, B cell-negative, NK cell-positive. Last evaluated: 2025-10-26. Review status: criteria provided, single submitter. Criteria: Invitae Variant Classification Sherloc (09022015). Collection method: clinical testing. Allele origin: germline.
Comment: This sequence change replaces histidine, which is basic and polar, with leucine, which is neutral and non-polar, at codon 375 of the RAG1 protein (p.His375Leu). This variant is not present in population databases (gnomAD no frequency). This variant has not been reported in the literature in individuals affected with RAG1-related conditions. Invitae Evidence Modeling of protein sequence and biophysical properties (such as structural, functional, and spatial information, amino acid conservation, physicochemical variation, residue mobility, and thermodynamic stability) has been performed for this missense variant. However, the output from this modeling did not meet the statistical confidence thresholds required to predict the impact of this variant on RAG1 protein function. In summary, the available evidence is currently insufficient to determine the role of this variant in disease. Therefore, it has been classified as a Variant of Uncertain Significance.